The following is an entry in ClinVar:

ClinVar aggregate classification (germline): Conflicting classifications of pathogenicity. Review status: criteria provided, conflicting classifications (1 of 4 stars). 3 submissions from 3 submitters: Likely pathogenic (1); Uncertain significance (2). Last evaluated 2026-04-15.

Conditions:
IMPDH1-related disorder. Also called: IMPDH1-related condition; IMPDH1-related disorders.

Submissions (3):

GeneDx
Classification: Uncertain significance. Last evaluated: 2026-04-15. Review status: criteria provided, single submitter. Criteria: GeneDx Variant Classification Process June 2021. Collection method: clinical testing. Allele origin: germline.
Comment: Not observed at significant frequency in large population cohorts (gnomAD); In silico analysis supports that this missense variant has a deleterious effect on protein structure/function; This variant is associated with the following publications: (PMID: 38604988)

Labcorp Genetics (formerly Invitae), Labcorp
Classification: Uncertain significance. Last evaluated: 2025-07-14. Review status: criteria provided, single submitter. Criteria: Invitae Variant Classification Sherloc (09022015). Collection method: clinical testing. Allele origin: germline.
Comment: This sequence change replaces asparagine, which is neutral and polar, with lysine, which is basic and polar, at codon 315 of the IMPDH1 protein (p.Asn315Lys). This variant is not present in population databases (gnomAD no frequency). This missense change has been observed in individuals with autosomal dominant retinitis pigmentosa (PMID: 38604988; internal data). ClinVar contains an entry for this variant (Variation ID: 866652). An algorithm developed to predict the effect of missense changes on protein structure and function (PolyPhen-2) suggests that this variant is likely to be disruptive. This variant disrupts the p.Asn315 amino acid residue in IMPDH1. Other variant(s) that disrupt this residue have been observed in individuals with IMPDH1-related conditions (PMID: 33576794), which suggests that this may be a clinically significant amino acid residue. In summary, the available evidence is currently insufficient to determine the role of this variant in disease. Therefore, it has been classified as a Variant of Uncertain Significance.

Blueprint Genetics
Classification: Likely pathogenic for IMPDH1-related disorders. Last evaluated: 2019-07-23. Review status: criteria provided, single submitter. Criteria: ACMG Guidelines, 2015. Collection method: clinical testing. Allele origin: germline. Affected: yes. Observed: 2 variant alleles.

Literature cited by the submitters: PubMed 38604988 (cited by Labcorp Genetics (formerly Invitae), Labcorp); PubMed 33576794 (cited by Labcorp Genetics (formerly Invitae), Labcorp).

NM_000883.4(IMPDH1):c.945C>G (p.Asn315Lys)

Gene: IMPDH1 (inosine monophosphate dehydrogenase 1; minus strand). Cytogenetic location: 7q32.1.
Variant type: single nucleotide variant.
Coding change: c.945C>G on transcript NM_000883.4 (MANE Select); coding-DNA position 945, C replaced by G.
Protein change: p.Asn315Lys; replaces asparagine 315 with lysine.
Molecular consequence: missense variant.
Genome position (GRCh38, 1-based): chr7:128,398,543, G>C on the plus strand (C>G on the coding strand, the complement: IMPDH1 is on the minus strand). VCF-style: chr7-128398543-G-C. GRCh37 (hg19) VCF-style: chr7-128038597-G-C.
Other names: c.915C>G, p.Asn305Lys (NM_001102605.2); c.690C>G, p.Asn230Lys (NM_001142573.2); c.675C>G, p.Asn225Lys (NM_001142574.2); c.615C>G, p.Asn205Lys (NM_001142575.2); c.846C>G, p.Asn282Lys (NM_001142576.2); c.738C>G, p.Asn246Lys (NM_001304521.2); c.837C>G, p.Asn279Lys (NM_183243.3); short protein forms N279K, N282K, N246K, N305K, N205K, N225K, N230K, N315K.
Identifiers: ClinVar variation 866652 (VCV000866652.4), dbSNP rs1042253, ClinGen allele CA369169244.